The following is an entry in ClinVar:

ClinVar aggregate classification (germline): Uncertain significance (1 of 4 stars; one submission).

Conditions:
GM3 synthase deficiency (SPDRS). Also called: SALT AND PEPPER MENTAL RETARDATION SYNDROME; AMISH INFANTILE EPILEPSY SYNDROME; SALT AND PEPPER DEVELOPMENTAL REGRESSION SYNDROME. Identifiers: Orphanet 171714, Orphanet 370933, MedGen C1836824, MONDO:0018274, OMIM 609056.

Allele frequency attached by ClinVar (database versions not stated): gnomAD 0.00003; ExAC 0.00004; TOPMed 0.00004; gnomAD exomes 0.00005; 1000 Genomes Project 30x 0.00016; 1000 Genomes Project 0.00020.
gnomAD v4.1: 24 of 1,614,108 alleles (0.0015%); highest among the groups gnomAD compares: East Asian, 0.04%; no homozygotes.

Submission:

Labcorp Genetics (formerly Invitae), Labcorp
Classification: Uncertain significance for GM3 synthase deficiency. Last evaluated: 2023-10-30. Review status: criteria provided, single submitter. Criteria: Invitae Variant Classification Sherloc (09022015). Collection method: clinical testing. Allele origin: germline.
Comment: This sequence change replaces threonine, which is neutral and polar, with methionine, which is neutral and non-polar, at codon 393 of the ST3GAL5 protein (p.Thr393Met). This variant is present in population databases (rs184227271, gnomAD 0.06%). This variant has not been reported in the literature in individuals affected with ST3GAL5-related conditions. ClinVar contains an entry for this variant (Variation ID: 850569). Advanced modeling of protein sequence and biophysical properties (such as structural, functional, and spatial information, amino acid conservation, physicochemical variation, residue mobility, and thermodynamic stability) performed at Invitae indicates that this missense variant is not expected to disrupt ST3GAL5 protein function with a negative predictive value of 80%. In summary, the available evidence is currently insufficient to determine the role of this variant in disease. Therefore, it has been classified as a Variant of Uncertain Significance.

NM_003896.4(ST3GAL5):c.1178C>T (p.Thr393Met)

Gene: ST3GAL5 (ST3 beta-galactoside alpha-2,3-sialyltransferase 5; minus strand). Cytogenetic location: 2p11.2.
Variant type: single nucleotide variant.
Coding change: c.1178C>T on transcript NM_003896.4 (MANE Select); coding-DNA position 1178, C replaced by T.
Protein change: p.Thr393Met; replaces threonine 393 with methionine.
Molecular consequence: missense variant.
Genome position (GRCh38, 1-based): chr2:85,840,223, G>A on the plus strand (C>T on the coding strand, the complement: ST3GAL5 is on the minus strand). VCF-style: chr2-85840223-G-A. GRCh37 (hg19) VCF-style: chr2-86067346-G-A.
Other names: c.1094C>T, p.Thr365Met (NM_001354238.1, NM_001354227.2, NM_001354229.2); c.455C>T, p.Thr152Met (NM_001354247.1); c.794C>T, p.Thr265Met (NM_001354248.1, NM_001354223.2, NM_001354224.2 and 3 more transcripts); c.1019C>T, p.Thr340Met (NM_001363847.1); c.1109C>T, p.Thr370Met (NM_001042437.2); short protein forms T152M, T340M, T265M, T365M, T393M, T370M.
Identifiers: ClinVar variation 850569 (VCV000850569.5), dbSNP rs184227271, ClinGen allele CA1744874.